The following is an entry in ClinVar:

NM_000642.3(AGL):c.3010C>G (p.Pro1004Ala)

Gene: AGL (amylo-alpha-1,6-glucosidase and 4-alpha-glucanotransferase; plus strand). Cytogenetic location: 1p21.2.
Variant type: single nucleotide variant.
Coding change: c.3010C>G on transcript NM_000642.3 (MANE Select); coding-DNA position 3010, C replaced by G.
Protein change: p.Pro1004Ala; replaces proline 1004 with alanine.
Molecular consequence: missense variant.
Genome position (GRCh38, 1-based): chr1:99,891,666, C>G. VCF-style: chr1-99891666-C-G. GRCh37 (hg19) VCF-style: chr1-100357222-C-G.
Other names: c.3010C>G, p.Pro1004Ala (NM_000028.3, NM_000643.3, NM_000644.3 and 1 more transcripts); c.2962C>G, p.Pro988Ala (NM_000646.3); c.2989C>G, p.Pro997Ala (NM_001425326.1); c.2809C>G, p.Pro937Ala (NM_001425327.1); c.2806C>G, p.Pro936Ala (NM_001425328.1); c.2671C>G, p.Pro891Ala (NM_001425329.1); c.2632C>G, p.Pro878Ala (NM_001425332.1); short protein forms P988A, P1004A, P878A, P891A, P936A, P937A, P997A.
Identifiers: ClinVar variation 864193 (VCV000864193.10), dbSNP rs1652911105, ClinGen allele CA341326003.

ClinVar aggregate classification (germline): Uncertain significance (1 of 4 stars; one submission).

Conditions:
Glycogen storage disease type III (GSD3). Also called: Cori disease; FORBES DISEASE. Identifiers: Orphanet 366, MedGen C0017922, MONDO:0009291, OMIM 232400.

Submission:

Labcorp Genetics (formerly Invitae), Labcorp
Classification: Uncertain significance for Glycogen storage disease type III. Last evaluated: 2019-11-18. Review status: criteria provided, single submitter. Criteria: Invitae Variant Classification Sherloc (09022015). Collection method: clinical testing. Allele origin: germline.
Comment: In summary, the available evidence is currently insufficient to determine the role of this variant in disease. Therefore, it has been classified as a Variant of Uncertain Significance. Algorithms developed to predict the effect of missense changes on protein structure and function are either unavailable or do not agree on the potential impact of this missense change (SIFT: "Deleterious"; PolyPhen-2: "Probably Damaging"; Align-GVGD: "Class C0"). This variant has not been reported in the literature in individuals with AGL-related conditions. This variant is not present in population databases (ExAC no frequency). This sequence change replaces proline with alanine at codon 1004 of the AGL protein (p.Pro1004Ala). The proline residue is highly conserved and there is a small physicochemical difference between proline and alanine.